The following is an entry in ClinVar:

NM_001035.3(RYR2):c.9884G>A (p.Trp3295Ter)

Gene: RYR2 (ryanodine receptor 2; plus strand). Cytogenetic location: 1q43.
Variant type: single nucleotide variant.
Coding change: c.9884G>A on transcript NM_001035.3 (MANE Select); coding-DNA position 9884, G replaced by A.
Protein change: p.Trp3295Ter; replaces tryptophan 3295 with a stop codon.
Molecular consequence: nonsense.
Genome position (GRCh38, 1-based): chr1:237,707,252, G>A. VCF-style: chr1-237707252-G-A. GRCh37 (hg19) VCF-style: chr1-237870552-G-A.
Other names: short protein forms W3295*.
Identifiers: ClinVar variation 1356144 (VCV001356144.7), dbSNP rs2149059730, ClinGen allele CA345409562.
Genomic context (GRCh38, chr1:237,707,252, plus strand): 5'-CACTTCTAGGGAACATATTGAAAATCATATATAATAACTTGGGGATTGATGAGGGAGCCT[G>A]GATGAAGAGGCTAGCAGGTAAGAACTGGAAGAAGACATTGTACCCCTGAAATCTGTTTTA-3'

ClinVar aggregate classification (germline): Uncertain significance (1 of 4 stars; one submission).

Conditions:
Catecholaminergic polymorphic ventricular tachycardia 1. Also called: RYR2-Related Catecholaminergic Polymorphic Ventricular Tachycardia; VENTRICULAR TACHYCARDIA, CATECHOLAMINERGIC POLYMORPHIC, 1, WITH OR WITHOUT ATRIAL DYSFUNCTION AND/OR DILATED CARDIOMYOPATHY; VENTRICULAR TACHYCARDIA, STRESS-INDUCED POLYMORPHIC 1. Identifiers: Orphanet 3286, MedGen C1631597, MONDO:0011484, OMIM 604772.

Submission:

Labcorp Genetics (formerly Invitae), Labcorp
Classification: Uncertain significance for Catecholaminergic polymorphic ventricular tachycardia 1. Last evaluated: 2021-06-04. Review status: criteria provided, single submitter. Criteria: Invitae Variant Classification Sherloc (09022015). Collection method: clinical testing. Allele origin: germline.
Comment: This sequence change creates a premature translational stop signal (p.Trp3295*) in the RYR2 gene. It is expected to result in an absent or disrupted protein product. However, the current clinical and genetic evidence is not sufficient to establish whether loss-of-function variants in RYR2 cause disease. This variant is not present in population databases (ExAC no frequency). This variant has not been reported in the literature in individuals with RYR2-related conditions. In summary, the available evidence is currently insufficient to determine the role of this variant in disease. Therefore, it has been classified as a Variant of Uncertain Significance.